The following is an entry in ClinVar:

ClinVar aggregate classification (germline): Benign/Likely benign. Review status: criteria provided, multiple submitters, no conflicts (2 of 4 stars). 5 submissions from 5 submitters: Benign (3); Likely benign (2). Last evaluated 2026-07-01.

Allele frequency attached by ClinVar (database versions not stated): 1000 Genomes Project 30x 0.01640; gnomAD exomes 0.01103 and 0.01134; ExAC 0.01144; ESP Exome Variant Server 0.01461; gnomAD 0.01471 and 0.01560; TOPMed 0.01507; 1000 Genomes Project 0.01538.
gnomAD v4.1: 18,844 of 1,613,912 alleles (1.2%); highest among the groups gnomAD compares: African/African-American, 2.7%; 142 homozygotes.

Submissions (5):

CeGaT Center for Human Genetics Tuebingen
Classification: Benign. Last evaluated: 2026-07-01. Review status: criteria provided, single submitter. Criteria: CeGaT Center For Human Genetics Tuebingen Variant Classification Criteria Version 2. Collection method: clinical testing. Allele origin: germline. Affected: yes. Observed: 12 variant alleles.
Comment: FLRT3: BP4, BS1, BS2

Labcorp Genetics (formerly Invitae), Labcorp
Classification: Benign. Last evaluated: 2026-02-02. Review status: criteria provided, single submitter. Criteria: Invitae Variant Classification Sherloc (09022015). Collection method: clinical testing. Allele origin: germline.

GeneDx
Classification: Benign. Last evaluated: 2021-03-18. Review status: criteria provided, single submitter. Criteria: GeneDx Variant Classification Process June 2021. Collection method: clinical testing. Allele origin: germline. Affected: yes.
Comment: This variant is associated with the following publications: (PMID: 29767709)

Center for Pediatric Genomic Medicine, Children's Mercy Hospital and Clinics
Classification: Likely benign. Last evaluated: 2016-02-11. Review status: criteria provided, single submitter. Criteria: ACMG Guidelines, 2015. Collection method: clinical testing. Allele origin: germline.
ClinVar note: Converted during submission from Likely Benign to Likely benign.

Breakthrough Genomics
Classification: Likely benign. Review status: criteria provided, single submitter. Criteria: ACMG Guidelines, 2015. Collection method: not provided. Allele origin: germline. Inheritance: Autosomal dominant inheritance. Affected: yes.

NM_198391.3(FLRT3):c.1129G>A (p.Ala377Thr)

Genes: MACROD2 (mono-ADP ribosylhydrolase 2; plus strand), FLRT3 (fibronectin leucine rich transmembrane protein 3; minus strand). Cytogenetic location: 20p12.1.
Variant type: single nucleotide variant.
Coding change: c.1129G>A on transcript NM_198391.3 (MANE Select); coding-DNA position 1129, G replaced by A.
Protein change: p.Ala377Thr; replaces alanine 377 with threonine.
Molecular consequence: missense variant. On other transcripts: intron variant (3).
Genome position (GRCh38, 1-based): chr20:14,326,378, C>T on the plus strand (G>A on the coding strand, the complement: FLRT3 is on the minus strand). VCF-style: chr20-14326378-C-T. GRCh37 (hg19) VCF-style: chr20-14307024-C-T.
Other names: c.1129G>A, p.Ala377Thr (NM_013281.4); c.272-167101C>T (NM_001351661.2, NM_001351663.2, NM_080676.6); short protein forms A377T.
Identifiers: ClinVar variation 235238 (VCV000235238.41), dbSNP rs8120693, ClinGen allele CA9768946.